The following is an entry in ClinVar:

NM_177438.3(DICER1):c.2935G>T (p.Asp979Tyr)

Gene: DICER1 (dicer 1, ribonuclease III; minus strand). Cytogenetic location: 14q32.13.
Variant type: single nucleotide variant.
Coding change: c.2935G>T on transcript NM_177438.3 (MANE Select); coding-DNA position 2935, G replaced by T.
Protein change: p.Asp979Tyr; replaces aspartic acid 979 with tyrosine.
Molecular consequence: missense variant. On other transcripts: non-coding transcript variant (6).
Genome position (GRCh38, 1-based): chr14:95,106,093, C>A on the plus strand (G>T on the coding strand, the complement: DICER1 is on the minus strand). VCF-style: chr14-95106093-C-A. GRCh37 (hg19) VCF-style: chr14-95572430-C-A.
Other names: c.2935G>T, p.Asp979Tyr (NM_001195573.1, NM_001271282.3, NM_001291628.2 and 12 more transcripts); c.2653G>T, p.Asp885Tyr (NM_001395686.1); c.2530G>T, p.Asp844Tyr (NM_001395687.1, NM_001395688.1, NM_001395689.1 and 2 more transcripts); c.2368G>T, p.Asp790Tyr (NM_001395691.1); c.1252G>T, p.Asp418Tyr (NM_001395697.1); short protein forms D885Y, D418Y, D790Y, D844Y, D979Y.
Identifiers: ClinVar variation 3840044 (VCV003840044.1).

ClinVar aggregate classification (germline): Uncertain significance (1 of 4 stars; one submission).

Conditions:
Hereditary cancer-predisposing syndrome. Also called: Hereditary neoplastic syndrome; Neoplastic Syndromes, Hereditary; Tumor predisposition; Hereditary Cancer Syndrome. Identifiers: Orphanet 140162, MedGen C0027672, MeSH D009386, MONDO:0015356.

Submission:

Ambry Genetics
Classification: Uncertain significance for Hereditary cancer-predisposing syndrome. Last evaluated: 2025-02-22. Review status: criteria provided, single submitter. Criteria: Ambry Variant Classification Scheme 2023. Collection method: clinical testing. Allele origin: germline.
Comment: The p.D979Y variant (also known as c.2935G>T), located in coding exon 17 of the DICER1 gene, results from a G to T substitution at nucleotide position 2935. The aspartic acid at codon 979 is replaced by tyrosine, an amino acid with highly dissimilar properties. This amino acid position is conserved. In addition, the in silico prediction for this alteration is inconclusive. Based on the available evidence, the clinical significance of this variant remains unclear.